The following is an entry in ClinVar:

NM_000530.8(MPZ):c.529T>A (p.Tyr177Asn)

Gene: MPZ (myelin protein zero; minus strand). Cytogenetic location: 1q23.3.
Variant type: single nucleotide variant.
Coding change: c.529T>A on transcript NM_000530.8 (MANE Select); coding-DNA position 529, T replaced by A.
Protein change: p.Tyr177Asn; replaces tyrosine 177 with asparagine.
Molecular consequence: missense variant.
Genome position (GRCh38, 1-based): chr1:161,306,384, A>T on the plus strand (T>A on the coding strand, the complement: MPZ is on the minus strand). VCF-style: chr1-161306384-A-T. GRCh37 (hg19) VCF-style: chr1-161276174-A-T.
Other names: c.529T>A, p.Tyr177Asn (NM_001315491.2); c.529T>A (NM_000530.6); short protein forms Y177N.
Identifiers: ClinVar variation 1008814 (VCV001008814.7), dbSNP rs758417016, ClinGen allele CA1210143.

ClinVar aggregate classification (germline): Uncertain significance. Review status: criteria provided, multiple submitters, no conflicts (2 of 4 stars). 2 submissions from 2 submitters: Uncertain significance (2). Last evaluated 2025-08-04.

Conditions:
Inborn genetic diseases. Identifiers: MedGen C0950123, MeSH D030342.
Charcot-Marie-Tooth disease, type I (CMT1). Also called: Charcot-Marie-Tooth disease type 1; Charcot-Marie-Tooth, Type 1. Identifiers: Orphanet 65753, MedGen C0751036, MONDO:0019011.

Allele frequency attached by ClinVar (database versions not stated): TOPMed below 0.00001; gnomAD exomes 0.00001 and 0.00002; ExAC 0.00002.

Submissions (2):

Ambry Genetics
Classification: Uncertain significance for Inborn genetic diseases. Last evaluated: 2025-08-04. Review status: criteria provided, single submitter. Criteria: Ambry Variant Classification Scheme 2023. Collection method: clinical testing. Allele origin: germline.

Labcorp Genetics (formerly Invitae), Labcorp
Classification: Uncertain significance for Charcot-Marie-Tooth disease, type I. Last evaluated: 2022-08-05. Review status: criteria provided, single submitter. Criteria: Invitae Variant Classification Sherloc (09022015). Collection method: clinical testing. Allele origin: germline.
Comment: In summary, the available evidence is currently insufficient to determine the role of this variant in disease. Therefore, it has been classified as a Variant of Uncertain Significance. Algorithms developed to predict the effect of missense changes on protein structure and function are either unavailable or do not agree on the potential impact of this missense change (SIFT: "Deleterious"; PolyPhen-2: "Possibly Damaging"; Align-GVGD: "Class C0"). ClinVar contains an entry for this variant (Variation ID: 1008814). This variant has not been reported in the literature in individuals affected with MPZ-related conditions. This variant is present in population databases (rs758417016, gnomAD 0.01%). This sequence change replaces tyrosine, which is neutral and polar, with asparagine, which is neutral and polar, at codon 177 of the MPZ protein (p.Tyr177Asn).